The following is an entry in ClinVar:

NM_178857.6(RP1L1):c.626C>T (p.Ala209Val)

Gene: RP1L1 (RP1 like 1). Cytogenetic location: 8p23.1.
Variant type: single nucleotide variant.
Coding change: c.626C>T on transcript NM_178857.6 (MANE Select); coding-DNA position 626, C replaced by T.
Protein change: p.Ala209Val; replaces alanine 209 with valine.
Molecular consequence: missense variant.
Genome position (GRCh38, 1-based): chr8:10,616,571, G>A on the plus strand (C>T on the coding strand, the complement: RP1L1 is on the minus strand). VCF-style: chr8-10616571-G-A. GRCh37 (hg19) VCF-style: chr8-10474081-G-A.
Other names: c.626C>T (NM_178857.5); short protein forms A209V.
Identifiers: ClinVar variation 1372725 (VCV001372725.7), dbSNP rs1458491829, ClinGen allele CA370299269.

ClinVar aggregate classification (germline): Uncertain significance. Review status: criteria provided, multiple submitters, no conflicts (2 of 4 stars). 2 submissions from 2 submitters: Uncertain significance (2). Last evaluated 2026-03-05.

Conditions:
RP1L1-related disorder. Also called: RP1L1-related condition.

Allele frequency attached by ClinVar (database versions not stated): gnomAD exomes below 0.00001; gnomAD 0.00003.
gnomAD v4.1: 19 of 1,612,730 alleles (0.0012%); highest among the groups gnomAD compares: Non-Finnish European, 0.0015%; no homozygotes.

Submissions (2):

PreventionGenetics, part of Exact Sciences
Classification: Uncertain significance for RP1L1-related condition. Last evaluated: 2026-03-05. Review status: criteria provided, single submitter. Criteria: ACMG Guidelines, 2015. Collection method: clinical testing. Allele origin: germline.
Comment: The RP1L1 c.626C>T variant is predicted to result in the amino acid substitution p.Ala209Val. To our knowledge, this variant has not been reported in the literature. This variant is reported in 0.0041% of alleles in individuals of African descent in gnomAD. At this time, the clinical significance of this variant is uncertain due to the absence of conclusive functional and genetic evidence.

Labcorp Genetics (formerly Invitae), Labcorp
Classification: Uncertain significance. Last evaluated: 2023-11-27. Review status: criteria provided, single submitter. Criteria: Invitae Variant Classification Sherloc (09022015). Collection method: clinical testing. Allele origin: germline.
Comment: This sequence change replaces alanine, which is neutral and non-polar, with valine, which is neutral and non-polar, at codon 209 of the RP1L1 protein (p.Ala209Val). The frequency data for this variant in the population databases is considered unreliable, as metrics indicate poor data quality at this position in the gnomAD database. This variant has not been reported in the literature in individuals affected with RP1L1-related conditions. ClinVar contains an entry for this variant (Variation ID: 1372725). Advanced modeling of protein sequence and biophysical properties (such as structural, functional, and spatial information, amino acid conservation, physicochemical variation, residue mobility, and thermodynamic stability) performed at Invitae indicates that this missense variant is not expected to disrupt RP1L1 protein function with a negative predictive value of 80%. In summary, the available evidence is currently insufficient to determine the role of this variant in disease. Therefore, it has been classified as a Variant of Uncertain Significance.